The following is an entry in ClinVar:

NM_000551.4(VHL):c.607C>A (p.Gln203Lys)

Genes: VHL (von Hippel-Lindau tumor suppressor; plus strand), LOC107303340 (3p25 von Hippel-Lindau tumor suppressor, E3 ubiquitin protein ligase Alu-mediated recombination region; plus strand). Cytogenetic location: 3p25.3.
Variant type: single nucleotide variant.
Coding change: c.607C>A on transcript NM_000551.4 (MANE Select); coding-DNA position 607, C replaced by A.
Protein change: p.Gln203Lys; replaces glutamine 203 with lysine.
Molecular consequence: missense variant. On other transcripts: 3 prime UTR variant (1).
Genome position (GRCh38, 1-based): chr3:10,149,930, C>A. VCF-style: chr3-10149930-C-A. GRCh37 (hg19) VCF-style: chr3-10191614-C-A.
Other names: c.607C>A (NM_000551.3); c.*161C>A (NM_001354723.2); c.484C>A, p.Gln162Lys (NM_198156.3); short protein forms Q203K, Q162K.
Identifiers: ClinVar variation 1472969 (VCV001472969.10), dbSNP rs750711842, ClinGen allele CA351756610.

ClinVar aggregate classification (germline): Conflicting classifications of pathogenicity. Review status: criteria provided, conflicting classifications (1 of 4 stars). 3 submissions from 3 submitters: Uncertain significance (2); Likely benign (1). Last evaluated 2026-03-19.

Conditions:
Chuvash polycythemia. Also called: POLYCYTHEMIA, VHL-DEPENDENT. Identifiers: Orphanet 238557, MedGen C1837915, MONDO:0009892, OMIM 263400.
Von Hippel-Lindau syndrome (VHLS). Also called: Von Hippel-Lindau; von Hippel–Lindau syndrome; VHL syndrome. Identifiers: Orphanet 892, MedGen C0019562, MONDO:0008667, OMIM 193300. Disease mechanism: loss of function.
Hereditary cancer-predisposing syndrome. Also called: Tumor predisposition; Neoplastic Syndromes, Hereditary; Hereditary Cancer Syndrome; Hereditary neoplastic syndrome. Identifiers: Orphanet 140162, MedGen C0027672, MeSH D009386, MONDO:0015356.

Submissions (3):

Ambry Genetics
Classification: Likely benign for Hereditary cancer-predisposing syndrome. Last evaluated: 2026-03-19. Review status: criteria provided, single submitter. Criteria: Ambry Variant Classification Scheme 2023. Collection method: clinical testing. Allele origin: germline.

Center for Genomic Medicine, Rigshospitalet, Copenhagen University Hospital
Classification: Uncertain significance. Last evaluated: 2025-03-04. Review status: criteria provided, single submitter. Criteria: ACMG Guidelines, 2015. Collection method: clinical testing. Allele origin: germline.

Labcorp Genetics (formerly Invitae), Labcorp
Classification: Uncertain significance for Von Hippel-Lindau syndrome; Chuvash polycythemia. Last evaluated: 2021-08-19. Review status: criteria provided, single submitter. Criteria: Invitae Variant Classification Sherloc (09022015). Collection method: clinical testing. Allele origin: germline.
Comment: This variant is not present in population databases (ExAC no frequency). This sequence change replaces glutamine with lysine at codon 203 of the VHL protein (p.Gln203Lys). The glutamine residue is moderately conserved and there is a small physicochemical difference between glutamine and lysine. This variant has not been reported in the literature in individuals affected with VHL-related conditions. Advanced modeling of protein sequence and biophysical properties (such as structural, functional, and spatial information, amino acid conservation, physicochemical variation, residue mobility, and thermodynamic stability) performed at Invitae indicates that this missense variant is expected to disrupt VHL protein function. In summary, the available evidence is currently insufficient to determine the role of this variant in disease. Therefore, it has been classified as a Variant of Uncertain Significance.

Literature cited by the submitters: PubMed 38969834 (cited by Ambry Genetics).